The following is an entry in ClinVar:

ClinVar aggregate classification (germline): Uncertain significance (1 of 4 stars; one submission).

Conditions:
Inborn genetic diseases. Identifiers: MedGen C0950123, MeSH D030342.

Submission:

Ambry Genetics
Classification: Uncertain significance for Inborn genetic diseases. Last evaluated: 2026-09-06. Review status: criteria provided, single submitter. Criteria: Ambry Variant Classification Scheme 2023. Collection method: clinical testing. Allele origin: germline.
Comment: The p.K47Q variant (also known as c.139A>C), located in coding exon 1 of the SAMD9 gene, results from an A to C substitution at nucleotide position 139. The lysine at codon 47 is replaced by glutamine, an amino acid with similar properties. This amino acid position is conserved. In addition, this alteration is predicted to be tolerated by in silico analysis. Based on the available evidence, the clinical significance of this variant remains unclear.

NM_017654.4(SAMD9):c.139A>C (p.Lys47Gln)

Gene: SAMD9 (sterile alpha motif domain containing 9; minus strand). Cytogenetic location: 7q21.2.
Variant type: single nucleotide variant.
Coding change: c.139A>C on transcript NM_017654.4 (MANE Select); coding-DNA position 139, A replaced by C.
Protein change: p.Lys47Gln; replaces lysine 47 with glutamine.
Molecular consequence: missense variant.
Genome position (GRCh38, 1-based): chr7:93,105,959, T>G on the plus strand (A>C on the coding strand, the complement: SAMD9 is on the minus strand). VCF-style: chr7-93105959-T-G. GRCh37 (hg19) VCF-style: chr7-92735272-T-G.
Other names: c.139A>C, p.Lys47Gln (NM_001193307.2); short protein forms K47Q.
Identifiers: ClinVar variation 5028821 (VCV005028821.1).